The following is an entry in ClinVar:

ClinVar aggregate classification (germline): Conflicting classifications of pathogenicity. Review status: criteria provided, conflicting classifications (1 of 4 stars). 6 submissions from 6 submitters: Uncertain significance (1); Benign (3); Likely benign (2). Last evaluated 2025-07-18.

Conditions:
Cardiac arrhythmia, ankyrin-B-related. Also called: ANKYRIN-B SYNDROME. Identifiers: Orphanet 101016, Orphanet 768, MedGen C1970119, MONDO:0010958, OMIM 600919.
Cardiovascular phenotype. Identifiers: MedGen CN230736.
Long QT syndrome (LQTS). Identifiers: MedGen C0023976, MeSH D008133, MONDO:0002442. Disease mechanism: loss of function. Inheritance: Various modes of inheritance.

Allele frequency attached by ClinVar (database versions not stated): gnomAD 0.00008 and 0.00010; gnomAD exomes 0.00008 and 0.00018; TOPMed 0.00017; ExAC 0.00019; 1000 Genomes Project 30x 0.00047; 1000 Genomes Project 0.00060.
gnomAD v4.1: 141 of 1,613,944 alleles (0.0087%); highest among the groups gnomAD compares: East Asian, 0.16%; 1 homozygote.

Submissions (6):

Labcorp Genetics (formerly Invitae), Labcorp
Classification: Benign for Long QT syndrome. Last evaluated: 2025-07-18. Review status: criteria provided, single submitter. Criteria: Invitae Variant Classification Sherloc (09022015). Collection method: clinical testing. Allele origin: germline.

CeGaT Center for Human Genetics Tuebingen
Classification: Likely benign. Last evaluated: 2025-06-01. Review status: criteria provided, single submitter. Criteria: CeGaT Center For Human Genetics Tuebingen Variant Classification Criteria Version 2. Collection method: clinical testing. Allele origin: germline. Affected: yes. Observed: 1 variant allele.
Comment: ANK2: BP4, BP7

Blueprint Genetics
Classification: Likely benign. Last evaluated: 2024-08-29. Review status: criteria provided, single submitter. Criteria: ACMG Guidelines, 2015. Collection method: clinical testing. Allele origin: germline.

Ambry Genetics
Classification: Benign for Cardiovascular phenotype. Last evaluated: 2021-01-06. Review status: criteria provided, single submitter. Criteria: Ambry Variant Classification Scheme 2023. Collection method: clinical testing. Allele origin: germline.

Illumina Laboratory Services, Illumina
Classification: Uncertain significance for Cardiac arrhythmia, ankyrin-B-related. Last evaluated: 2018-01-13. Review status: criteria provided, single submitter. Criteria: ICSL Variant Classification Criteria 13 December 2019. Collection method: clinical testing. Allele origin: germline.

GeneDx
Classification: Benign. Last evaluated: 2016-05-13. Review status: criteria provided, single submitter. Criteria: GeneDx Variant Classification (06012015). Collection method: clinical testing. Allele origin: germline. Affected: yes.
Comment: This variant is considered likely benign or benign based on one or more of the following criteria: it is a conservative change, it occurs at a poorly conserved position in the protein, it is predicted to be benign by multiple in silico algorithms, and/or has population frequency not consistent with disease.

NM_001148.6(ANK2):c.3507T>C (p.Gly1169=)

Gene: ANK2 (ankyrin 2; plus strand). Cytogenetic location: 4q26.
Variant type: single nucleotide variant.
Coding change: c.3507T>C on transcript NM_001148.6 (MANE Select); coding-DNA position 3507, T replaced by C.
Protein change: p.Gly1169=; no amino-acid change (glycine 1169 retained).
Molecular consequence: synonymous variant. On other transcripts: 5 prime UTR variant (2).
Genome position (GRCh38, 1-based): chr4:113,335,973, T>C. VCF-style: chr4-113335973-T-C. GRCh37 (hg19) VCF-style: chr4-114257129-T-C.
Other names: c.3480T>C, p.Gly1160= (NM_001127493.3); c.3519T>C, p.Gly1173= (NM_001354225.2); c.3408T>C, p.Gly1136= (NM_001354228.2, NM_001354258.2); c.3486T>C, p.Gly1162= (NM_001354230.2); c.3549T>C, p.Gly1183= (NM_001354231.2, NM_001354242.2); c.3543T>C, p.Gly1181= (NM_001354232.2); c.3504T>C, p.Gly1168= (NM_001354235.2, NM_001354246.2, NM_001354265.2); c.3405T>C, p.Gly1135= (NM_001354236.2); and 31 more.
Identifiers: ClinVar variation 378917 (VCV000378917.25), dbSNP rs200262333, ClinGen allele CA3050856.